The following is an entry in ClinVar:

NM_144687.4(NLRP12):c.176_183del (p.Leu59fs)

Gene: NLRP12 (NLR family pyrin domain containing 12; minus strand). Cytogenetic location: 19q13.42.
Variant type: Deletion.
Coding change: c.176_183del on transcript NM_144687.4 (MANE Select); coding-DNA positions 176 to 183, 8 bases deleted (TGCTCATC; older notation c.176_183delTGCTCATC).
Protein change: p.Leu59fs; shifts the reading frame from leucine 59.
Molecular consequence: frameshift variant.
Genome position (GRCh38, 1-based): chr19:53,823,992-53,823,999, GATGAGCA deleted on the plus strand (TGCTCATC on the coding strand, the reverse complement: NLRP12 is on the minus strand); deleting any 8 consecutive bases within chr19:53,823,992-53,824,000 gives the same sequence; the c. name uses the placement nearest the transcript's 3' end. VCF-style (leftmost placement, unchanged base first): chr19-53823991-TGATGAGCA-T. GRCh37 (hg19) VCF-style: chr19-54327245-TGATGAGCA-T.
Other names: c.176_183del, p.Leu59fs (NM_001277126.2, NM_001277129.1); short protein forms L59fs.
Identifiers: ClinVar variation 1694399 (VCV001694399.7), dbSNP rs1307106759, ClinGen allele CA633905387.

ClinVar aggregate classification (germline): Uncertain significance. Review status: criteria provided, multiple submitters, no conflicts (2 of 4 stars). 3 submissions from 3 submitters: Uncertain significance (3). Last evaluated 2024-11-19.

Conditions:
Autoinflammatory syndrome. Identifiers: Orphanet 93665, MedGen C3890737, MONDO:0019751.
Familial cold autoinflammatory syndrome 2 (FCAS2). Identifiers: Orphanet 247868, MedGen C2673198, MONDO:0012724, OMIM 611762.

Submissions (3):

Labcorp Genetics (formerly Invitae), Labcorp
Classification: Uncertain significance for Familial cold autoinflammatory syndrome 2. Last evaluated: 2024-11-19. Review status: criteria provided, single submitter. Criteria: Invitae Variant Classification Sherloc (09022015). Collection method: clinical testing. Allele origin: germline.
Comment: This sequence change creates a premature translational stop signal (p.Leu59Hisfs*17) in the NLRP12 gene. It is expected to result in an absent or disrupted protein product. However, the current clinical and genetic evidence is not sufficient to establish whether loss-of-function variants in NLRP12 cause disease. This variant is present in population databases (no rsID available, gnomAD no frequency). This variant has not been reported in the literature in individuals affected with NLRP12-related conditions. ClinVar contains an entry for this variant (Variation ID: 1694399). Algorithms developed to predict the effect of sequence changes on RNA splicing suggest that this variant may disrupt the consensus splice site. In summary, the available evidence is currently insufficient to determine the role of this variant in disease. Therefore, it has been classified as a Variant of Uncertain Significance.

Blueprint Genetics
Classification: Uncertain significance. Last evaluated: 2023-08-10. Review status: criteria provided, single submitter. Criteria: ACMG Guidelines, 2015. Collection method: clinical testing. Allele origin: germline.

Genome Diagnostics Laboratory, The Hospital for Sick Children
Classification: Uncertain significance for Autoinflammatory syndrome. Last evaluated: 2019-06-19. Review status: criteria provided, single submitter. Criteria: ACMG Guidelines, 2015. Collection method: clinical testing. Allele origin: germline. Affected: yes.